The following is an entry in ClinVar:

ClinVar aggregate classification (germline): Pathogenic (1 of 4 stars; one submission).

Conditions:
Telangiectasia, hereditary hemorrhagic, type 1 (HHT1). Also called: Osler Weber Rendu syndrome type 1; ENG-Related Hereditary Hemorrhagic Telangiectasia. Identifiers: Orphanet 774, MedGen C4551861, MONDO:0008535, OMIM 187300. Disease mechanism: loss of function.

Allele frequency attached by ClinVar (database versions not stated): gnomAD exomes below 0.00001.
gnomAD v4.1: 1 of 1,614,204 alleles (0.000062%); highest among the groups gnomAD compares: Non-Finnish European, 0.000085%; no homozygotes.

Submission:

ARUP Laboratories, Molecular Genetics and Genomics, ARUP Laboratories
Classification: Pathogenic for Telangiectasia, hereditary hemorrhagic, type 1. Last evaluated: 2020-01-04. Review status: criteria provided, single submitter. Criteria: ARUP Molecular Germline Variant Investigation Process. Collection method: clinical testing. Allele origin: germline.
Comment: The ENG c.1272+2T>C variant, to our knowledge, is not reported in the medical literature or gene specific databases. This variant is also absent from general population databases (Exome Variant Server, Genome Aggregation Database), indicating it is not a common polymorphism. This variant disrupts the canonical splice donor site of intron 9, which is likely to negatively impact gene function. Based on available information, this variant is considered to be pathogenic.

NM_001114753.3(ENG):c.1272+2T>C

Genes: ENG (endoglin; minus strand), LOC102723566 (uncharacterized LOC102723566; plus strand). Cytogenetic location: 9q34.11.
Variant type: single nucleotide variant.
Coding change: c.1272+2T>C on transcript NM_001114753.3 (MANE Select); the canonical splice donor site of the intron after coding-DNA position 1272, T replaced by C.
Molecular consequence: splice donor variant.
Genome position (GRCh38, 1-based): chr9:127,819,898, A>G on the plus strand (T>C on the coding strand, the complement: ENG is on the minus strand). VCF-style: chr9-127819898-A-G. GRCh37 (hg19) VCF-style: chr9-130582177-A-G.
Other names: c.1272+2T>C (NM_000118.4); c.726+2T>C (NM_001278138.2).
Identifiers: ClinVar variation 993863 (VCV000993863.8), dbSNP rs1830431391, ClinGen allele CA374978203.